The following is an entry in ClinVar:

NM_001277115.2(DNAH11):c.9671del (p.Val3224fs)

Gene: DNAH11 (dynein axonemal heavy chain 11; plus strand). Cytogenetic location: 7p15.3.
Variant type: Deletion.
Coding change: c.9671del on transcript NM_001277115.2 (MANE Select); coding-DNA position 9671, one base deleted (T; older notation c.9671delT).
Protein change: p.Val3224fs; shifts the reading frame from valine 3224.
Molecular consequence: frameshift variant.
Genome position (GRCh38, 1-based): chr7:21,786,697, T deleted. VCF-style (leftmost placement, unchanged base first): chr7-21786696-GT-G. GRCh37 (hg19) VCF-style: chr7-21826314-GT-G.
Other names: c.9692delT, p.Val3231Alafs (NM_003777.3); short protein forms V3224fs.
Identifiers: ClinVar variation 2718245 (VCV002718245.3), dbSNP rs2535259763, ClinGen allele CA2697557131.
Genomic context (GRCh38, chr7:21,786,696, plus strand): 5'-GAGCTGAAAGCCTTTCCCAACCCTCCCATCGCAGTTACCAATGTTACTGCAGCCGTGATG[GT>G]CCTTCTGGCTCCTCGGGGAAGAGTGCCCAAAGACCGAAGTTGGAAAGCAGCTAAAGTCTT-3'

ClinVar aggregate classification (germline): Pathogenic (1 of 4 stars; one submission).

Conditions:
Primary ciliary dyskinesia. Also called: Ciliary dyskinesia. Identifiers: Orphanet 244, MedGen C0008780, MONDO:0016575, HP:0012265.

Submission:

Labcorp Genetics (formerly Invitae), Labcorp
Classification: Pathogenic for Primary ciliary dyskinesia. Last evaluated: 2023-06-17. Review status: criteria provided, single submitter. Criteria: Invitae Variant Classification Sherloc (09022015). Collection method: clinical testing. Allele origin: germline.
Comment: This variant is not present in population databases (gnomAD no frequency). This sequence change creates a premature translational stop signal (p.Val3224Alafs*32) in the DNAH11 gene. It is expected to result in an absent or disrupted protein product. Loss-of-function variants in DNAH11 are known to be pathogenic (PMID: 18022865, 20513915, 22184204). This variant has not been reported in the literature in individuals affected with DNAH11-related conditions. For these reasons, this variant has been classified as Pathogenic.

Literature cited by the submitters: PubMed 18022865; PubMed 20513915; PubMed 22184204.